The following is an entry in ClinVar:

NM_001267550.2(TTN):c.62966del (p.Tyr20989fs)

Genes: TTN (titin; minus strand), TTN-AS1 (TTN antisense RNA 1; plus strand). Cytogenetic location: 2q31.2.
Variant type: Deletion.
Coding change: c.62966del on transcript NM_001267550.2 (MANE Select); coding-DNA position 62966, one base deleted (A; older notation c.62966delA).
Protein change: p.Tyr20989fs; shifts the reading frame from tyrosine 20989.
Molecular consequence: frameshift variant.
Genome position (GRCh38, 1-based): chr2:178,588,759, T deleted on the plus strand (A on the coding strand, the reverse complement: TTN is on the minus strand). VCF-style (leftmost placement, unchanged base first): chr2-178588758-AT-A. GRCh37 (hg19) VCF-style: chr2-179453485-AT-A.
Other names: c.35771delA (NM_003319.4); c.58043del, p.Tyr19348fs (NM_001256850.1); c.35771del, p.Tyr11924fs (NM_003319.4); c.55262del, p.Tyr18421fs (NM_133378.4); c.36146del, p.Tyr12049fs (NM_133432.3); c.36347del, p.Tyr12116fs (NM_133437.4); short protein forms Y20989fs, Y11924fs, Y12049fs, Y12116fs, Y18421fs, Y19348fs.
Identifiers: ClinVar variation 2111727 (VCV002111727.5), dbSNP rs2469363669, ClinGen allele CA2580064820.

ClinVar aggregate classification (germline): Likely pathogenic. Review status: criteria provided, multiple submitters, no conflicts (2 of 4 stars). 2 submissions from 2 submitters: Likely pathogenic (2). Last evaluated 2025-08-24.

Conditions:
Cardiovascular phenotype. Identifiers: MedGen CN230736.
Dilated cardiomyopathy 1G (CMD1G). Identifiers: Orphanet 154, MedGen C1858763, MONDO:0011400, OMIM 604145.
Autosomal recessive limb-girdle muscular dystrophy type 2J (LGMDR10). Also called: Limb-girdle muscular dystrophy, type 2J; MUSCULAR DYSTROPHY, LIMB-GIRDLE, AUTOSOMAL RECESSIVE 10. Identifiers: Orphanet 140922, MedGen C1837342, MONDO:0012127, OMIM 608807.

Submissions (2):

Labcorp Genetics (formerly Invitae), Labcorp
Classification: Likely pathogenic for Dilated cardiomyopathy 1G; Autosomal recessive limb-girdle muscular dystrophy type 2J. Last evaluated: 2025-08-24. Review status: criteria provided, single submitter. Criteria: Invitae Variant Classification Sherloc (09022015). Collection method: clinical testing. Allele origin: germline.
Comment: This sequence change creates a premature translational stop signal (p.Tyr20989Leufs*7) in the TTN gene. While this is not anticipated to result in nonsense mediated decay, it is expected to create a truncated TTN protein. This variant is not present in population databases (gnomAD no frequency). This variant has not been reported in the literature in individuals affected with TTN-related conditions. ClinVar contains an entry for this variant (Variation ID: 2111727). This variant is located in the A band of TTN (PMID: 25589632). Truncating variants in this region are significantly overrepresented in patients affected with dilated cardiomyopathy (PMID: 25589632). Truncating variants in this region have also been reported in individuals affected with autosomal recessive centronuclear myopathy (PMID: 23975875). In summary, the currently available evidence indicates that the variant is pathogenic, but additional data are needed to prove that conclusively. Therefore, this variant has been classified as Likely Pathogenic.

Ambry Genetics
Classification: Likely pathogenic for Cardiovascular phenotype. Last evaluated: 2023-12-15. Review status: criteria provided, single submitter. Criteria: Ambry Variant Classification Scheme 2023. Collection method: clinical testing. Allele origin: germline.
Comment: The c.35771delA variant, located in coding exon 131 of the TTN gene, results from a deletion of one nucleotide at nucleotide position 35771, causing a translational frameshift with a predicted alternate stop codon (p.Y11924Lfs*7). This exon is located in the A-band region of the N2-B isoform of the titin protein and is constitutively expressed in TTN transcripts (percent spliced in or PSI 100%). This alteration is expected to result in loss of function by premature protein truncation or nonsense-mediated mRNA decay. While truncating variants in TTN are present in 1-3% of the general population, truncating variants in the A-band are the most common cause of dilated cardiomyopathy (DCM) (Herman DS et al. N. Engl. J. Med., 2012 Feb;366:619-28; Roberts AM et al. Sci Transl Med, 2015 Jan;7:270ra6). TTN truncating variants encoded in constitutive exons (PSI >90%) have been found to be significantly associated with DCM regardless of their position in titin (Schafer S et al. Nat. Genet., 2017 01;49:46-53). This variant is considered to be rare based on population cohorts in the Genome Aggregation Database (gnomAD). Based on the majority of available evidence to date, this variant is likely to be pathogenic.

Literature cited by the submitters: PubMed 25589632 (cited by Labcorp Genetics (formerly Invitae), Labcorp); PubMed 23975875 (cited by Labcorp Genetics (formerly Invitae), Labcorp).